The following is an entry in ClinVar:

NM_022124.6(CDH23):c.4829G>T (p.Gly1610Val)

Gene: CDH23 (cadherin related 23; plus strand). Cytogenetic location: 10q22.1.
Variant type: single nucleotide variant.
Coding change: c.4829G>T on transcript NM_022124.6 (MANE Select); coding-DNA position 4829, G replaced by T.
Protein change: p.Gly1610Val; replaces glycine 1610 with valine.
Molecular consequence: missense variant.
Genome position (GRCh38, 1-based): chr10:71,741,905, G>T. VCF-style: chr10-71741905-G-T. GRCh37 (hg19) VCF-style: chr10-73501662-G-T.
Other names: c.4829G>T (NM_022124.5); short protein forms G1610V.
Identifiers: ClinVar variation 1038224 (VCV001038224.12), dbSNP rs1839745979, ClinGen allele CA377130507.

ClinVar aggregate classification (germline): Conflicting classifications of pathogenicity. Review status: criteria provided, conflicting classifications (1 of 4 stars). 4 submissions from 4 submitters: Likely pathogenic (1); Uncertain significance (2). 1 of the submissions does not count toward it. Last evaluated 2026-10-01.

Conditions:
Usher syndrome type 1 (USH1). Also called: RETINITIS PIGMENTOSA AND CONGENITAL DEAFNESS. Identifiers: Orphanet 231169, Orphanet 886, MedGen C1568247, MONDO:0010168, OMIM 276900.

gnomAD v4.1: 5 of 1,603,432 alleles (0.00031%); highest among the groups gnomAD compares: South Asian, 0.0011%; no homozygotes.

Submissions (4):

GeneDx
Classification: Likely pathogenic. Last evaluated: 2026-10-01. Review status: criteria provided, single submitter. Criteria: GeneDx Variant Classification Process June 2021. Collection method: clinical testing. Allele origin: germline.
Comment: Observed in homozygous state in individuals with nonsyndromic profound sensorineural hearing loss from a single family in the literature and not observed in homozygous state in controls; however, affected individuals were also homozygous for other variants of uncertain significance in the CDH23 gene (PMID: 21940737); In silico analysis supports that this missense variant has a deleterious effect on protein structure/function; Not observed at significant frequency in large population cohorts (gnomAD); This variant is associated with the following publications: (PMID: 30531642, 21940737, 26969326, 23804846, 30303587)

Women's Health and Genetics/Laboratory Corporation of America, LabCorp
Classification: Uncertain significance. Last evaluated: 2024-12-05. Review status: criteria provided, single submitter. Criteria: LabCorp Variant Classification Summary - May 2015. Collection method: clinical testing. Allele origin: germline.
Comment: Variant summary: CDH23 c.4829G>T (p.Gly1610Val) results in a non-conservative amino acid change in the encoded protein sequence. Five of five in-silico tools predict a damaging effect of the variant on protein function. The frequency data for this variant in gnomAD is considered unreliable, as metrics indicate poor data quality at this position. c.4829G>T has been reported in the literature in and a compound heterozygous individual affected with Usher Syndrome (Sloan-Heggen_2016), as well as additional affected individuals without sufficient evidence for pathogenicity (e.g. Schultz_2011, Shearer_2013, Richard_2019). These data do not allow any conclusion about variant significance. To our knowledge, no experimental evidence demonstrating an impact on protein function has been reported. The following publications have been ascertained in the context of this evaluation (PMID: 30303587, 21940737, 23804846, 26969326). ClinVar contains an entry for this variant (Variation ID: 1038224). Based on the evidence outlined above, the variant was classified as uncertain significance.

Labcorp Genetics (formerly Invitae), Labcorp
Classification: Uncertain significance. Last evaluated: 2022-08-09. Review status: criteria provided, single submitter. Criteria: Invitae Variant Classification Sherloc (09022015). Collection method: clinical testing. Allele origin: germline.
Comment: This sequence change replaces glycine, which is neutral and non-polar, with valine, which is neutral and non-polar, at codon 1610 of the CDH23 protein (p.Gly1610Val). This variant is not present in population databases (gnomAD no frequency). This missense change has been observed in individual(s) with sensorineural deafness (PMID: 21940737). ClinVar contains an entry for this variant (Variation ID: 1038224). Algorithms developed to predict the effect of missense changes on protein structure and function are either unavailable or do not agree on the potential impact of this missense change (SIFT: "Deleterious"; PolyPhen-2: "Not Available"; Align-GVGD: "Class C65"). Algorithms developed to predict the effect of sequence changes on RNA splicing suggest that this variant may create or strengthen a splice site. In summary, the available evidence is currently insufficient to determine the role of this variant in disease. Therefore, it has been classified as a Variant of Uncertain Significance.

Natera, Inc.
Classification: Uncertain significance for Usher syndrome type 1. Last evaluated: 2020-03-09. Review status: no assertion criteria provided. Collection method: clinical testing. Allele origin: germline. Not counted in ClinVar's aggregate classification.

Literature cited by the submitters: PubMed 26969326 (cited by Women's Health and Genetics/Laboratory Corporation of America, LabCorp); PubMed 21940737 (cited by Women's Health and Genetics/Laboratory Corporation of America, LabCorp and Labcorp Genetics (formerly Invitae), Labcorp); PubMed 23804846 (cited by Women's Health and Genetics/Laboratory Corporation of America, LabCorp); PubMed 30303587 (cited by Women's Health and Genetics/Laboratory Corporation of America, LabCorp).